The following is an entry in ClinVar:

ClinVar aggregate classification (germline): Uncertain significance (1 of 4 stars; one submission).

Conditions:
Multiple acyl-CoA dehydrogenase deficiency (MADD). Also called: Glutaric Acidemia type 2; ETHYLMALONIC-ADIPICACIDURIA; GA II; Glutaric aciduria, type 2; Glutaric acidemia type II; GA 2. Identifiers: Orphanet 26791, MedGen C0268596, MONDO:0009282, OMIM 231680.

Submission:

Labcorp Genetics (formerly Invitae), Labcorp
Classification: Uncertain significance for Multiple acyl-CoA dehydrogenase deficiency. Last evaluated: 2024-03-16. Review status: criteria provided, single submitter. Criteria: Invitae Variant Classification Sherloc (09022015). Collection method: clinical testing. Allele origin: germline.
Comment: This sequence change replaces histidine, which is basic and polar, with proline, which is neutral and non-polar, at codon 206 of the ETFDH protein (p.His206Pro). This variant is not present in population databases (gnomAD no frequency). This variant has not been reported in the literature in individuals affected with ETFDH-related conditions. Advanced modeling of protein sequence and biophysical properties (such as structural, functional, and spatial information, amino acid conservation, physicochemical variation, residue mobility, and thermodynamic stability) performed at Invitae indicates that this missense variant is expected to disrupt ETFDH protein function with a positive predictive value of 80%. In summary, the available evidence is currently insufficient to determine the role of this variant in disease. Therefore, it has been classified as a Variant of Uncertain Significance.

NM_004453.4(ETFDH):c.617A>C (p.His206Pro)

Gene: ETFDH (electron transfer flavoprotein dehydrogenase; plus strand). Cytogenetic location: 4q32.1.
Variant type: single nucleotide variant.
Coding change: c.617A>C on transcript NM_004453.4 (MANE Select); coding-DNA position 617, A replaced by C.
Protein change: p.His206Pro; replaces histidine 206 with proline.
Molecular consequence: missense variant.
Genome position (GRCh38, 1-based): chr4:158,690,358, A>C. VCF-style: chr4-158690358-A-C. GRCh37 (hg19) VCF-style: chr4-159611510-A-C.
Other names: c.476A>C, p.His159Pro (NM_001281737.2); c.434A>C, p.His145Pro (NM_001281738.1); short protein forms H145P, H159P, H206P.
Identifiers: ClinVar variation 2777889 (VCV002777889.3), dbSNP rs1561242774, ClinGen allele CA358559917.